The following is an entry in ClinVar:

NM_002381.5(MATN3):c.1193C>T (p.Ser398Phe)

Genes: MATN3 (matrilin 3; minus strand), WDR35-DT (WDR35 divergent transcript; plus strand). Cytogenetic location: 2p24.1.
Variant type: single nucleotide variant.
Coding change: c.1193C>T on transcript NM_002381.5 (MANE Select); coding-DNA position 1193, C replaced by T.
Protein change: p.Ser398Phe; replaces serine 398 with phenylalanine.
Molecular consequence: missense variant.
Genome position (GRCh38, 1-based): chr2:19,997,235, G>A on the plus strand (C>T on the coding strand, the complement: MATN3 is on the minus strand). VCF-style: chr2-19997235-G-A. GRCh37 (hg19) VCF-style: chr2-20196996-G-A.
Other names: short protein forms S398F.
Identifiers: ClinVar variation 4775313 (VCV004775313.1).

ClinVar aggregate classification (germline): Uncertain significance (1 of 4 stars; one submission).

gnomAD v4.1: 5 of 1,613,306 alleles (0.00031%); highest among the groups gnomAD compares: African/African-American, 0.0013%; no homozygotes.

Submission:

Labcorp Genetics (formerly Invitae), Labcorp
Classification: Uncertain significance. Last evaluated: 2025-09-23. Review status: criteria provided, single submitter. Criteria: Invitae Variant Classification Sherloc (09022015). Collection method: clinical testing. Allele origin: germline.
Comment: This sequence change replaces serine, which is neutral and polar, with phenylalanine, which is neutral and non-polar, at codon 398 of the MATN3 protein (p.Ser398Phe). This variant is not present in population databases (gnomAD no frequency). This variant has not been reported in the literature in individuals affected with MATN3-related conditions. Invitae Evidence Modeling of protein sequence and biophysical properties (such as structural, functional, and spatial information, amino acid conservation, physicochemical variation, residue mobility, and thermodynamic stability) indicates that this missense variant is not expected to disrupt MATN3 protein function with a negative predictive value of 80%. In summary, the available evidence is currently insufficient to determine the role of this variant in disease. Therefore, it has been classified as a Variant of Uncertain Significance.